The following is an entry in ClinVar:

NM_012123.4(MTO1):c.38T>C (p.Val13Ala)

Gene: MTO1 (mitochondrial tRNA translation optimization 1; plus strand). Cytogenetic location: 6q13.
Variant type: single nucleotide variant.
Coding change: c.38T>C on transcript NM_012123.4 (MANE Select); coding-DNA position 38, T replaced by C.
Protein change: p.Val13Ala; replaces valine 13 with alanine.
Molecular consequence: missense variant.
Genome position (GRCh38, 1-based): chr6:73,461,892, T>C. VCF-style: chr6-73461892-T-C. GRCh37 (hg19) VCF-style: chr6-74171615-T-C.
Other names: c.38T>C (NM_001123226.1); c.38T>C, p.Val13Ala (NM_001123226.2, NM_133645.3); short protein forms V13A.
Identifiers: ClinVar variation 2077576 (VCV002077576.6), dbSNP rs1582665975, ClinGen allele CA364711769.

ClinVar aggregate classification (germline): Conflicting classifications of pathogenicity. Review status: criteria provided, conflicting classifications (1 of 4 stars). 2 submissions from 2 submitters: Uncertain significance (1); Likely benign (1). Last evaluated 2024-11-04.

Conditions:
Mitochondrial hypertrophic cardiomyopathy with lactic acidosis due to MTO1 deficiency. Also called: Combined oxidative phosphorylation deficiency 10; CARDIOMYOPATHY, INFANTILE HYPERTROPHIC MITOCHONDRIAL, AND LACTIC ACIDOSIS. Identifiers: Orphanet 314637, MedGen C4749921, MONDO:0013865, OMIM 614702.
Inborn genetic diseases. Identifiers: MedGen C0950123, MeSH D030342.

Allele frequency attached by ClinVar (database versions not stated): gnomAD exomes below 0.00001.
gnomAD v4.1: 2 of 1,614,064 alleles (0.00012%); highest among the groups gnomAD compares: Non-Finnish European, 0.00017%; no homozygotes.

Submissions (2):

Labcorp Genetics (formerly Invitae), Labcorp
Classification: Uncertain significance for Mitochondrial hypertrophic cardiomyopathy with lactic acidosis due to MTO1 deficiency. Last evaluated: 2024-11-04. Review status: criteria provided, single submitter. Criteria: Invitae Variant Classification Sherloc (09022015). Collection method: clinical testing. Allele origin: germline.
Comment: This sequence change replaces valine, which is neutral and non-polar, with alanine, which is neutral and non-polar, at codon 13 of the MTO1 protein (p.Val13Ala). This variant is not present in population databases (gnomAD no frequency). This variant has not been reported in the literature in individuals affected with MTO1-related conditions. ClinVar contains an entry for this variant (Variation ID: 2077576). An algorithm developed to predict the effect of missense changes on protein structure and function outputs the following: PolyPhen-2: "Benign". The alanine amino acid residue is found in multiple mammalian species, which suggests that this missense change does not adversely affect protein function. In summary, the available evidence is currently insufficient to determine the role of this variant in disease. Therefore, it has been classified as a Variant of Uncertain Significance.

Ambry Genetics
Classification: Likely benign for Inborn genetic diseases. Last evaluated: 2023-06-02. Review status: criteria provided, single submitter. Criteria: Ambry Variant Classification Scheme 2023. Collection method: clinical testing. Allele origin: germline.